The following is an entry in ClinVar:

NM_001083961.2(WDR62):c.3851C>A (p.Ala1284Asp)

Gene: WDR62 (WD repeat domain 62; plus strand). Cytogenetic location: 19q13.12.
Variant type: single nucleotide variant.
Coding change: c.3851C>A on transcript NM_001083961.2 (MANE Select); coding-DNA position 3851, C replaced by A.
Protein change: p.Ala1284Asp; replaces alanine 1284 with aspartic acid.
Molecular consequence: missense variant.
Genome position (GRCh38, 1-based): chr19:36,103,679, C>A. VCF-style: chr19-36103679-C-A. GRCh37 (hg19) VCF-style: chr19-36594581-C-A.
Other names: c.3836C>A, p.Ala1279Asp (NM_173636.5); short protein forms A1279D, A1284D.
Identifiers: ClinVar variation 1331296 (VCV001331296.2), dbSNP rs1161069528, ClinGen allele CA405458108.

ClinVar aggregate classification (germline): Uncertain significance (1 of 4 stars; one submission).

Allele frequency attached by ClinVar (database versions not stated): gnomAD exomes 0.00001.
gnomAD v4.1: 3 of 1,610,296 alleles (0.00019%); highest among the groups gnomAD compares: Non-Finnish European, 0.00025%; no homozygotes.

Submission:

GeneDx
Classification: Uncertain significance. Last evaluated: 2021-07-01. Review status: criteria provided, single submitter. Criteria: GeneDx Variant Classification Process June 2021. Collection method: clinical testing. Allele origin: germline. Affected: yes.
Comment: Not observed at significant frequency in large population cohorts (Lek et al., 2016); In silico analysis supports that this missense variant does not alter protein structure/function; Has not been previously published as pathogenic or benign to our knowledge; This variant is associated with the following publications: (PMID: 27535533, 20729831, 20890279)